The following is an entry in ClinVar:

NM_000719.7(CACNA1C):c.6401A>C (p.Tyr2134Ser)

Gene: CACNA1C (calcium voltage-gated channel subunit alpha1 C; plus strand). Cytogenetic location: 12p13.33.
Variant type: single nucleotide variant.
Coding change: c.6401A>C on transcript NM_000719.7 (MANE Select); coding-DNA position 6401, A replaced by C.
Protein change: p.Tyr2134Ser; replaces tyrosine 2134 with serine.
Molecular consequence: missense variant.
Genome position (GRCh38, 1-based): chr12:2,691,183, A>C. VCF-style: chr12-2691183-A-C. GRCh37 (hg19) VCF-style: chr12-2800349-A-C.
Other names: c.6458A>C, p.Tyr2153Ser (NM_001129833.2, NM_001129834.2, NM_001129835.2); c.6452A>C, p.Tyr2151Ser (NM_001129836.2); c.6425A>C, p.Tyr2142Ser (NM_001129837.2, NM_001129838.2); c.6419A>C, p.Tyr2140Ser (NM_001129839.2); c.6401A>C, p.Tyr2134Ser (NM_001129840.2, NM_001129841.2, NM_001129842.2 and 2 more transcripts); c.6545A>C, p.Tyr2182Ser (NM_001129827.2); c.6524A>C, p.Tyr2175Ser (NM_001129829.2); c.6506A>C, p.Tyr2169Ser (NM_001129830.3, NM_001167624.3); and 6 more; short protein forms Y2123S, Y2131S, Y2151S, Y2175S, Y2153S, Y2162S, Y2194S, Y2140S.
Identifiers: ClinVar variation 5005088 (VCV005005088.2).

ClinVar aggregate classification (germline): Uncertain significance (1 of 4 stars; one submission).

Conditions:
Neurodevelopmental disorder with hypotonia, language delay, and skeletal defects with or without seizures (NEDHLSS). Identifiers: MedGen C5774213, MONDO:0859286, OMIM 620029.
Long QT syndrome 8. Identifiers: MedGen CN260585, MONDO:0032756, OMIM 618447.
Brugada syndrome 3 (BRGDA3). Identifiers: Orphanet 130, MedGen C2678478, MONDO:0012742, OMIM 611875.
Timothy syndrome (TS). Also called: LONG QT SYNDROME WITH SYNDACTYLY. Identifiers: Orphanet 65283, MedGen C1832916, MeSH C536962, MONDO:0010979, OMIM 601005.

Submission:

Juno Genomics, Hangzhou Juno Genomics, Inc
Classification: Uncertain significance for Neurodevelopmental disorder with hypotonia, language delay, and skeletal defects with or without seizures; Brugada syndrome 3; Long QT syndrome 8; Timothy syndrome. Review status: criteria provided, single submitter. Criteria: ACMG Guidelines, 2015. Collection method: clinical testing. Allele origin: germline.
Comment: Absent from controls (or at extremely low frequency if recessive) in Genome Aggregation Database.;Multiple lines of computational evidence suggest no impact on gene or gene product.;Missense variant in a gene that has a low rate of benign missense variation.